The following is an entry in ClinVar:

ClinVar aggregate classification (germline): Pathogenic. Review status: reviewed by expert panel (3 of 4 stars). 12 submissions from 12 submitters: Pathogenic (1). 11 of the submissions do not count toward it. Last evaluated 2016-09-08.

Conditions:
Hereditary cancer-predisposing syndrome. Also called: Hereditary Cancer Syndrome; Tumor predisposition; Neoplastic Syndromes, Hereditary; Hereditary neoplastic syndrome. Identifiers: Orphanet 140162, MedGen C0027672, MeSH D009386, MONDO:0015356.
Hereditary breast ovarian cancer syndrome. Also called: Breast and ovarian cancer; BRCA1- and BRCA2-Associated Hereditary Breast and Ovarian Cancer; Hereditary breast and ovarian cancer; Hereditary breast and ovarian cancer syndrome (HBOC); Hereditary breast and ovarian cancer syndrome; Hereditary breast and/or ovarian cancer syndrome. Identifiers: Orphanet 145, MedGen C0677776, MeSH D061325, MONDO:0003582. Disease mechanism: loss of function.
Breast-ovarian cancer, familial, susceptibility to, 2 (BROVCA2). Also called: BRCA2 Hereditary Breast and Ovarian Cancer. Identifiers: Orphanet 145, MedGen C2675520, MONDO:0012933, OMIM 612555. Disease mechanism: loss of function.

Submissions (12):

Evidence-based Network for the Interpretation of Germline Mutant Alleles (ENIGMA)
Classification: Pathogenic for Breast-ovarian cancer, familial, susceptibility to, 2. Last evaluated: 2016-09-08. Review status: reviewed by expert panel. Criteria: ENIGMA BRCA1/2 Classification Criteria (2015). Collection method: curation. Allele origin: germline.
Comment: Variant allele predicted to encode a truncated non-functional protein.

CeGaT Center for Human Genetics Tuebingen
Classification: Pathogenic. Last evaluated: 2025-11-01. Review status: criteria provided, single submitter. Criteria: CeGaT Center For Human Genetics Tuebingen Variant Classification Criteria Version 2. Collection method: clinical testing. Allele origin: germline. Affected: yes. Observed: 1 variant allele. Not counted in ClinVar's aggregate classification.
Comment: BRCA2: PVS1, PM2, PS4:Moderate

Labcorp Genetics (formerly Invitae), Labcorp
Classification: Pathogenic for Hereditary breast ovarian cancer syndrome. Last evaluated: 2025-10-19. Review status: criteria provided, single submitter. Criteria: Invitae Variant Classification Sherloc (09022015). Collection method: clinical testing. Allele origin: germline. Not counted in ClinVar's aggregate classification.
Comment: This sequence change creates a premature translational stop signal (p.Ser2509Lysfs*30) in the BRCA2 gene. It is expected to result in an absent or disrupted protein product. Loss-of-function variants in BRCA2 are known to be pathogenic (PMID: 20104584). This variant is not present in population databases (gnomAD no frequency). This premature translational stop signal has been observed in individual(s) with clinical features of BRCA2-related conditions (PMID: 21520333). ClinVar contains an entry for this variant (Variation ID: 91481). For these reasons, this variant has been classified as Pathogenic.

GeneDx
Classification: Pathogenic. Last evaluated: 2025-09-04. Review status: criteria provided, single submitter. Criteria: GeneDx Variant Classification Process June 2021. Collection method: clinical testing. Allele origin: germline. Affected: yes. Not counted in ClinVar's aggregate classification.
Comment: Observed in two individuals from a cohort in which most individuals had a personal history of breast or ovarian cancer (PMID: 34413315); Frameshift variant predicted to result in protein truncation or nonsense mediated decay in a gene for which loss of function is a known mechanism of disease; Truncating variants in this gene are considered pathogenic by a well-established clinical consortium and/or database; Not observed at significant frequency in large population cohorts (gnomAD); Also known as 7753dup; This variant is associated with the following publications: (PMID: 21520333, Gomez-Flores-Ramos2020[CaseReport], 35406420, 34413315)

Women's Health and Genetics/Laboratory Corporation of America, LabCorp
Classification: Pathogenic for Hereditary breast ovarian cancer syndrome. Last evaluated: 2025-06-17. Review status: criteria provided, single submitter. Criteria: LabCorp Variant Classification Summary - May 2015. Collection method: clinical testing. Allele origin: germline. Not counted in ClinVar's aggregate classification.
Comment: Variant summary: BRCA2 c.7525dupA (p.Ser2509LysfsX30) results in a premature termination codon, predicted to cause a truncation of the encoded protein or absence of the protein due to nonsense mediated decay, which are commonly known mechanisms for disease. The variant was absent in 251392 control chromosomes. c.7525dupA has been observed in individual(s) affected with Hereditary Breast And Ovarian Cancer Syndrome (Gomez-Flores-Ramos_2022). The following publication has been ascertained in the context of this evaluation (PMID: 35406420). ClinVar contains an entry for this variant (Variation ID: 91481). Based on the evidence outlined above, the variant was classified as pathogenic.

3billion
Classification: Pathogenic for Breast-ovarian cancer, familial, susceptibility to, 2. Last evaluated: 2024-09-24. Review status: criteria provided, single submitter. Criteria: ACMG Guidelines, 2015. Collection method: clinical testing. Allele origin: germline. Affected: yes. Not counted in ClinVar's aggregate classification.
Comment: The variant is not observed in the gnomAD v4.0.0 dataset. Predicted Consequence/Location: Frameshift: predicted to result in a loss or disruption of normal protein function through nonsense-mediated decay (NMD) or protein truncation. Multiple pathogenic variants are reported downstream of the variant. The variant has been reported multiple times as an established pathogenic variant (ClinVar ID: VCV000091481 /PMID: 34413315). Therefore, this variant is classified as Pathogenic according to the recommendation of ACMG/AMP guideline.

Ambry Genetics
Classification: Pathogenic for Hereditary cancer-predisposing syndrome. Last evaluated: 2023-02-13. Review status: criteria provided, single submitter. Criteria: Ambry Variant Classification Scheme 2023. Collection method: clinical testing. Allele origin: germline. Not counted in ClinVar's aggregate classification.
Comment: The c.7525dupA variant, located in coding exon 14 of the BRCA2 gene, results from a duplication of A at nucleotide position 7525, causing a translational frameshift with a predicted alternate stop codon (p.S2509Kfs*30). This alteration is expected to result in loss of function by premature protein truncation or nonsense-mediated mRNA decay. As such, this alteration is interpreted as a disease-causing mutation.

Color Diagnostics, LLC DBA Color Health
Classification: Pathogenic for Hereditary cancer-predisposing syndrome. Last evaluated: 2021-11-02. Review status: criteria provided, single submitter. Criteria: ACMG Guidelines, 2015. Collection method: clinical testing. Allele origin: germline. Not counted in ClinVar's aggregate classification.
Comment: This variant inserts 1 nucleotide in exon 15 of the BRCA2 gene, creating a frameshift and premature translation stop signal. This variant is expected to result in an absent or non-functional protein product. This variant has been reported in at least two individuals affected with breast cancer (doi: 10.20944/preprints202008.0718.v1; Color internal data). This variant has not been identified in the general population by the Genome Aggregation Database (gnomAD). Loss of BRCA2 function is a known mechanism of disease. Based on the available evidence, this variant is classified as Pathogenic.

Quest Diagnostics Nichols Institute San Juan Capistrano
Classification: Pathogenic. Last evaluated: 2021-05-04. Review status: criteria provided, single submitter. Criteria: Quest Diagnostics criteria. Collection method: clinical testing. Allele origin: unknown. Not counted in ClinVar's aggregate classification.
Comment: This variant alters the translational reading frame of the BRCA2 mRNA and causes the premature termination of BRCA2 protein synthesis. This variant has not been reported in the published literature. It also has not been reported in large, multi-ethnic general populations (Genome Aggregation Database). Based on the available information, this variant is classified as pathogenic.

Counsyl
Classification: Likely pathogenic for Breast-ovarian cancer, familial, susceptibility to, 2. Last evaluated: 2016-04-07. Review status: no assertion criteria provided. Collection method: clinical testing. Allele origin: unknown. Not counted in ClinVar's aggregate classification.

Sharing Clinical Reports Project (SCRP)
Classification: Pathogenic for Breast-ovarian cancer, familial 2. Last evaluated: 2012-03-14. Review status: no assertion criteria provided. Collection method: clinical testing. Allele origin: germline. Not counted in ClinVar's aggregate classification.

Breast Cancer Information Core (BIC) (BRCA2)
Classification: Pathogenic for Breast-ovarian cancer, familial 2. Last evaluated: 2003-12-23. Review status: no assertion criteria provided. Collection method: clinical testing. Allele origin: germline. Affected: yes. Observed: 1 variant allele. Not counted in ClinVar's aggregate classification.

Literature cited by the submitters: PubMed 20104584 (cited by Labcorp Genetics (formerly Invitae), Labcorp); PubMed 21520333 (cited by Labcorp Genetics (formerly Invitae), Labcorp); PubMed 35406420 (cited by Women's Health and Genetics/Laboratory Corporation of America, LabCorp); PubMed 34413315 (cited by 3billion).

NM_000059.4(BRCA2):c.7525dup (p.Ser2509fs)

Gene: BRCA2 (BRCA2 DNA repair associated; plus strand). Cytogenetic location: 13q13.1.
Variant type: Duplication.
Coding change: c.7525dup on transcript NM_000059.4 (MANE Select); coding-DNA position 7525, one base duplicated (A; older notation c.7525dupA).
Protein change: p.Ser2509fs; shifts the reading frame from serine 2509.
Molecular consequence: frameshift variant.
Genome position (GRCh38, 1-based): chr13:32,356,517, A duplicated. VCF-style (leftmost placement, unchanged base first): chr13-32356516-C-CA. GRCh37 (hg19) VCF-style: chr13-32930653-C-CA.
Other names: 7753insA; c.7525dupA (NM_000059.3, NM_000059.4); short protein forms S2509fs.
Identifiers: ClinVar variation 91481 (VCV000091481.36), dbSNP rs80359656, ClinGen allele CA025132.
Genomic context (GRCh38, chr13:32,356,516, plus strand): 5'-AGATATACAGGATATGCGAATTAAGAAGAAACAAAGGCAACGCGTCTTTCCACAGCCAGG[C>CA]AGTCTGTATCTTGCAAAAACATCCACTCTGCCTCGAATCTCTCTGAAAGCAGCAGTAGGA-3'